The following is an entry in ClinVar:

NM_000092.5(COL4A4):c.2419G>T (p.Gly807Cys)

Gene: COL4A4 (collagen type IV alpha 4 chain; minus strand). Cytogenetic location: 2q36.3.
Variant type: single nucleotide variant.
Coding change: c.2419G>T on transcript NM_000092.5 (MANE Select); coding-DNA position 2419, G replaced by T.
Protein change: p.Gly807Cys; replaces glycine 807 with cysteine.
Molecular consequence: missense variant.
Genome position (GRCh38, 1-based): chr2:227,057,565, C>A on the plus strand (G>T on the coding strand, the complement: COL4A4 is on the minus strand). VCF-style: chr2-227057565-C-A. GRCh37 (hg19) VCF-style: chr2-227922281-C-A.
Other names: short protein forms G807C.
Identifiers: ClinVar variation 3585842 (VCV003585842.2).

ClinVar aggregate classification (germline): Likely pathogenic. Review status: criteria provided, multiple submitters, no conflicts (2 of 4 stars). 2 submissions from 2 submitters: Likely pathogenic (2). Last evaluated 2025-06-10.

Conditions:
Autosomal recessive Alport syndrome (ATS2). Also called: Alport syndrome type 2; COL4A3-Related Nephropathy; COL4A4 Alport Syndrome and Thin Basement Membrane Nephropathy; ALPORT SYNDROME 2, AUTOSOMAL RECESSIVE. Identifiers: Orphanet 63, Orphanet 88919, MedGen C4746745, MONDO:0008762, OMIM 203780.
Hematuria, benign familial, 1 (BFH1). Also called: THIN MEMBRANE NEPHROPATHY. Identifiers: MedGen CN376803, MONDO:0007709, OMIM 141200.

Submissions (2):

GeneDx
Classification: Likely pathogenic. Last evaluated: 2025-06-10. Review status: criteria provided, single submitter. Criteria: GeneDx Variant Classification Process June 2021. Collection method: clinical testing. Allele origin: germline. Affected: yes.
Comment: Affects a glycine residue in a Gly-X-Y motif in the triple helical region of the COL4A4 gene, where the majority of pathogenic missense variants occur, and is predicted to disrupt normal protein folding and function (PMID: 10752524); Not observed at significant frequency in large population cohorts (gnomAD); In silico analysis supports that this missense variant has a deleterious effect on protein structure/function; Has not been previously published as pathogenic or benign to our knowledge; This variant is associated with the following publications: (PMID: 10752524)

Fulgent Genetics
Classification: Likely pathogenic for Hematuria, benign familial, 1; Autosomal recessive Alport syndrome. Last evaluated: 2024-05-30. Review status: criteria provided, single submitter. Criteria: ACMG Guidelines, 2015. Collection method: clinical testing. Allele origin: germline.